The following is an entry in ClinVar:

NM_139018.5(CD300LF):c.270G>T (p.Thr90=)

Genes: CD300LF (CD300 molecule like family member f; minus strand), RAB37 (RAB37, member RAS oncogene family; plus strand). Cytogenetic location: 17q25.1.
Variant type: single nucleotide variant.
Coding change: c.270G>T on transcript NM_139018.5 (MANE Select); coding-DNA position 270, G replaced by T.
Protein change: p.Thr90=; no amino-acid change (threonine 90 retained).
Molecular consequence: synonymous variant. On other transcripts: non-coding transcript variant (1), intron variant (1).
Genome position (GRCh38, 1-based): chr17:74,704,590, C>A on the plus strand (G>T on the coding strand, the complement: CD300LF is on the minus strand). VCF-style: chr17-74704590-C-A. GRCh37 (hg19) VCF-style: chr17-72700729-C-A.
Other names: c.279G>T, p.Thr93= (NM_001289082.2, NM_001289085.2, NM_001289086.2); c.270G>T, p.Thr90= (NM_001289083.2, NM_001289084.2, NM_001289087.2); c.73-24666C>A (NM_175738.5).
Identifiers: ClinVar variation 2648226 (VCV002648226.22), dbSNP rs149941064, ClinGen allele CA502032544.
Genomic context (GRCh38, chr17:74,704,590, plus strand): 5'-AATTCCACACCAGTAAGTGTCAGCATCAGTTTTCATGAGATCCTCCATGGTCACAGTGAA[C>A]GTGCGGTTTTTCTGATTGTCCTTGATGGACACCCGGTCCCTCTTCACCTCCTGCTCTGAC-3'
Protein context (NP_620587.2, residues 80-100): VSIKDNQKNR[Thr90=]FTVTMEDLMK

ClinVar aggregate classification (germline): Likely benign (1 of 4 stars; one submission).

Submission:

CeGaT Center for Human Genetics Tuebingen
Classification: Likely benign. Last evaluated: 2023-03-01. Review status: criteria provided, single submitter. Criteria: CeGaT Center For Human Genetics Tuebingen Variant Classification Criteria Version 2. Collection method: clinical testing. Allele origin: germline. Affected: yes. Observed: 1 variant allele.
Comment: CD300LF: PM2:Supporting, BP4, BP7